The following is an entry in ClinVar:

NM_000094.4(COL7A1):c.5532+3G>A

Gene: COL7A1 (collagen type VII alpha 1 chain; minus strand). Cytogenetic location: 3p21.31.
Variant type: single nucleotide variant.
Coding change: c.5532+3G>A on transcript NM_000094.4 (MANE Select); 3 bases into the intron after coding-DNA position 5532, G replaced by A.
Molecular consequence: intron variant.
Genome position (GRCh38, 1-based): chr3:48,578,318, C>T on the plus strand (G>A on the coding strand, the complement: COL7A1 is on the minus strand). VCF-style: chr3-48578318-C-T. GRCh37 (hg19) VCF-style: chr3-48615751-C-T.
Identifiers: ClinVar variation 1897438 (VCV001897438.5), dbSNP rs759035638, ClinGen allele CA2379462.

ClinVar aggregate classification (germline): Uncertain significance. Review status: criteria provided, multiple submitters, no conflicts (2 of 4 stars). 2 submissions from 2 submitters: Uncertain significance (2). Last evaluated 2025-06-04.

Allele frequency attached by ClinVar (database versions not stated): gnomAD exomes 0.00001; ExAC 0.00002; TOPMed 0.00002; gnomAD 0.00003.
gnomAD v4.1: 9 of 1,612,382 alleles (0.00056%); highest among the groups gnomAD compares: African/African-American, 0.008%; no homozygotes.

Submissions (2):

Women's Health and Genetics/Laboratory Corporation of America, LabCorp
Classification: Uncertain significance. Last evaluated: 2025-06-04. Review status: criteria provided, single submitter. Criteria: LabCorp Variant Classification Summary - May 2015. Collection method: clinical testing. Allele origin: germline.
Comment: Variant summary: COL7A1 c.5532+3G>A alters a conserved nucleotide located close to a canonical splice site and therefore could affect mRNA splicing, leading to a significantly altered protein sequence. Consensus agreement among computation tools predict no significant impact on normal splicing. However, these predictions have yet to be confirmed by functional studies. The variant allele was found at a frequency of 2e-05 in 251022 control chromosomes. The available data on variant occurrences in the general population are insufficient to allow any conclusion about variant significance. To our knowledge, no occurrence of c.5532+3G>A in individuals affected with Dystrophic Epidermolysis Bullosa, Recessive and no experimental evidence demonstrating its impact on protein function have been reported. ClinVar contains an entry for this variant (Variation ID: 1897438). Based on the evidence outlined above, the variant was classified as uncertain significance.

Labcorp Genetics (formerly Invitae), Labcorp
Classification: Uncertain significance. Last evaluated: 2024-02-24. Review status: criteria provided, single submitter. Criteria: Invitae Variant Classification Sherloc (09022015). Collection method: clinical testing. Allele origin: germline.
Comment: This sequence change falls in intron 64 of the COL7A1 gene. It does not directly change the encoded amino acid sequence of the COL7A1 protein. It affects a nucleotide within the consensus splice site. This variant is present in population databases (rs759035638, gnomAD 0.02%). This variant has not been reported in the literature in individuals affected with COL7A1-related conditions. ClinVar contains an entry for this variant (Variation ID: 1897438). Variants that disrupt the consensus splice site are a relatively common cause of aberrant splicing (PMID: 17576681, 9536098). Algorithms developed to predict the effect of sequence changes on RNA splicing suggest that this variant is not likely to affect RNA splicing. In summary, the available evidence is currently insufficient to determine the role of this variant in disease. Therefore, it has been classified as a Variant of Uncertain Significance.

Literature cited by the submitters: PubMed 17576681 (cited by Labcorp Genetics (formerly Invitae), Labcorp); PubMed 9536098 (cited by Labcorp Genetics (formerly Invitae), Labcorp).